The following is an entry in ClinVar:

NM_001447.3(FAT2):c.8608A>G (p.Thr2870Ala)

Genes: FAT2 (FAT atypical cadherin 2; minus strand), SLC36A1 (solute carrier family 36 member 1; plus strand). Cytogenetic location: 5q33.1.
Variant type: single nucleotide variant.
Coding change: c.8608A>G on transcript NM_001447.3 (MANE Select); coding-DNA position 8608, A replaced by G.
Protein change: p.Thr2870Ala; replaces threonine 2870 with alanine.
Molecular consequence: missense variant.
Genome position (GRCh38, 1-based): chr5:151,542,519, T>C on the plus strand (A>G on the coding strand, the complement: FAT2 is on the minus strand). VCF-style: chr5-151542519-T-C. GRCh37 (hg19) VCF-style: chr5-150922080-T-C.
Other names: c.8608A>G (NM_001447.2); short protein forms T2870A.
Identifiers: ClinVar variation 2063895 (VCV002063895.34), dbSNP rs145521522, ClinGen allele CA3520783.
Genomic context (GRCh38, chr5:151,542,519, plus strand): 5'-CCTGAGAGGATAGCTGGATGGTCTGTCCGTGGTCATAGGCCACCACATGAAAATGATAAG[T>C]CTGGCAGGTCTCACAGTCAAGTTCCTGGAGTGTGGTGATCCAACCACTCTCACTGTCAAT-3'
Protein context (NP_001438.1, residues 2860-2880): LQELDCETCQ[Thr2870Ala]YHFHVVAYDH

ClinVar aggregate classification (germline): Likely benign. Review status: criteria provided, multiple submitters, no conflicts (2 of 4 stars). 5 submissions from 5 submitters: Likely benign (4). 1 of the submissions does not count toward it. Last evaluated 2025-04-14.

Conditions:
FAT2-related disorder. Also called: FAT2-related condition.
Spinocerebellar ataxia 45. Identifiers: Orphanet 589527, MedGen C4540400, MONDO:0033480, OMIM 617769.

Allele frequency attached by ClinVar (database versions not stated): 1000 Genomes Project 30x 0.00047; 1000 Genomes Project 0.00060; TOPMed 0.00066; gnomAD 0.00082; ExAC 0.00086; gnomAD exomes 0.00106; ESP Exome Variant Server 0.00123.
gnomAD v4.1: 1,649 of 1,614,152 alleles (0.1%); highest among the groups gnomAD compares: Non-Finnish European, 0.12%; no homozygotes.

Submissions (5):

Labcorp Genetics (formerly Invitae), Labcorp
Classification: Likely benign. Last evaluated: 2025-04-14. Review status: criteria provided, single submitter. Criteria: Invitae Variant Classification Sherloc (09022015). Collection method: clinical testing. Allele origin: germline.

CeGaT Center for Human Genetics Tuebingen
Classification: Likely benign. Last evaluated: 2024-12-01. Review status: criteria provided, single submitter. Criteria: CeGaT Center For Human Genetics Tuebingen Variant Classification Criteria Version 2. Collection method: clinical testing. Allele origin: germline. Affected: yes. Observed: 3 variant alleles.
Comment: FAT2: BP4, BS1

Blueprint Genetics
Classification: Likely benign. Last evaluated: 2024-11-04. Review status: criteria provided, single submitter. Criteria: ACMG Guidelines, 2015. Collection method: clinical testing. Allele origin: germline.

Molecular Genetics, Royal Melbourne Hospital
Classification: Likely benign for Spinocerebellar ataxia 45. Last evaluated: 2023-05-04. Review status: criteria provided, single submitter. Criteria: ACMG Guidelines, 2015. Collection method: clinical testing. Allele origin: germline. Affected: yes.
Comment: European non-finish population allele frequency is 0.114% (rs762865768, 202/251318 alleles, 0 homozygotes in gnomAD v2.1). Based on the classification scheme RMH Modified ACMG/AMP Guidelines v1.5.1, this variant is classified as LIKELY BENIGN. Following criteria are met: BS1

PreventionGenetics, part of Exact Sciences
Classification: Likely benign for FAT2-related condition. Last evaluated: 2023-03-23. Review status: no assertion criteria provided. Collection method: clinical testing. Allele origin: germline. Not counted in ClinVar's aggregate classification.
Comment: This variant is classified as likely benign based on ACMG/AMP sequence variant interpretation guidelines (Richards et al. 2015 PMID: 25741868, with internal and published modifications).